The following is an entry in ClinVar:

NM_170601.5(SIAE):c.1180G>A (p.Ala394Thr)

Gene: SIAE (sialic acid acetylesterase; minus strand). Cytogenetic location: 11q24.2.
Variant type: single nucleotide variant.
Coding change: c.1180G>A on transcript NM_170601.5 (MANE Select); coding-DNA position 1180, G replaced by A.
Protein change: p.Ala394Thr; replaces alanine 394 with threonine.
Molecular consequence: missense variant.
Genome position (GRCh38, 1-based): chr11:124,638,682, C>T on the plus strand (G>A on the coding strand, the complement: SIAE is on the minus strand). VCF-style: chr11-124638682-C-T. GRCh37 (hg19) VCF-style: chr11-124508578-C-T.
Other names: c.1075G>A, p.Ala359Thr (NM_001199922.2); short protein forms A394T, A359T.
Identifiers: ClinVar variation 1520152 (VCV001520152.6), dbSNP rs376576221, ClinGen allele CA6341260.
Genomic context (GRCh38, chr11:124,638,682, plus strand): 5'-GTTCTATCTTCTCAGGCAGTGGTCCTTCAAAGGTCAAATTCTTCTCACCATAAGCCAGAG[C>T]ACGGGCCCCCAAATGCAGCCGATAAGCCACAGTCTGTTTATCTCGAGGGTGGATGCTACA-3'
Protein context (NP_733746.1, residues 384-404): VAYRLHLGAR[Ala394Thr]LAYGEKNLTF

ClinVar aggregate classification (germline): Uncertain significance (1 of 4 stars; one submission).

Allele frequency attached by ClinVar (database versions not stated): gnomAD 0.00002; TOPMed 0.00002; gnomAD exomes 0.00004 and 0.00005; ExAC 0.00008; ESP Exome Variant Server 0.00008.
gnomAD v4.1: 82 of 1,614,030 alleles (0.0051%); highest among the groups gnomAD compares: Non-Finnish European, 0.0067%; no homozygotes.

Submission:

Labcorp Genetics (formerly Invitae), Labcorp
Classification: Uncertain significance. Last evaluated: 2025-07-29. Review status: criteria provided, single submitter. Criteria: Invitae Variant Classification Sherloc (09022015). Collection method: clinical testing. Allele origin: germline.
Comment: This sequence change replaces alanine, which is neutral and non-polar, with threonine, which is neutral and polar, at codon 394 of the SIAE protein (p.Ala394Thr). This variant is present in population databases (rs376576221, gnomAD 0.008%). This variant has not been reported in the literature in individuals affected with SIAE-related conditions. ClinVar contains an entry for this variant (Variation ID: 1520152). An algorithm developed to predict the effect of missense changes on protein structure and function (PolyPhen-2) suggests that this variant is likely to be disruptive. In summary, the available evidence is currently insufficient to determine the role of this variant in disease. Therefore, it has been classified as a Variant of Uncertain Significance.